The following is an entry in ClinVar:

ClinVar aggregate classification (germline): Uncertain significance (1 of 4 stars; one submission).

Conditions:
Autoimmune interstitial lung disease-arthritis syndrome. Also called: Autoinflammation and autoimmunity, systemic, with immune dysregulation. Identifiers: Orphanet 444092, MedGen C5975714, MONDO:0014629.

Submission:

Labcorp Genetics (formerly Invitae), Labcorp
Classification: Uncertain significance for Autoimmune interstitial lung disease-arthritis syndrome. Last evaluated: 2024-05-14. Review status: criteria provided, single submitter. Criteria: Invitae Variant Classification Sherloc (09022015). Collection method: clinical testing. Allele origin: germline.
Comment: This sequence change replaces glutamic acid, which is acidic and polar, with aspartic acid, which is acidic and polar, at codon 241 of the COPA protein (p.Glu241Asp). This variant is not present in population databases (gnomAD no frequency). This variant has not been reported in the literature in individuals affected with COPA-related conditions. Advanced modeling of protein sequence and biophysical properties (such as structural, functional, and spatial information, amino acid conservation, physicochemical variation, residue mobility, and thermodynamic stability) performed at Invitae indicates that this missense variant is expected to disrupt COPA protein function with a positive predictive value of 80%. This variant disrupts the p.Glu241 amino acid residue in COPA. Other variant(s) that disrupt this residue have been determined to be pathogenic (PMID: 25894502, 29137621). This suggests that this residue is clinically significant, and that variants that disrupt this residue are likely to be disease-causing. In summary, the available evidence is currently insufficient to determine the role of this variant in disease. Therefore, it has been classified as a Variant of Uncertain Significance.

Literature cited by the submitters: PubMed 25894502; PubMed 29137621.

NM_004371.4(COPA):c.723G>T (p.Glu241Asp)

Gene: COPA (coat protein complex I subunit alpha; minus strand). Cytogenetic location: 1q23.2.
Variant type: single nucleotide variant.
Coding change: c.723G>T on transcript NM_004371.4 (MANE Select); coding-DNA position 723, G replaced by T.
Protein change: p.Glu241Asp; replaces glutamic acid 241 with aspartic acid.
Molecular consequence: missense variant.
Genome position (GRCh38, 1-based): chr1:160,314,109, C>A on the plus strand (G>T on the coding strand, the complement: COPA is on the minus strand). VCF-style: chr1-160314109-C-A. GRCh37 (hg19) VCF-style: chr1-160283899-C-A.
Other names: c.723G>T, p.Glu241Asp (NM_001098398.2); short protein forms E241D.
Identifiers: ClinVar variation 3653399 (VCV003653399.2).
Genomic context (GRCh38, chr1:160,314,109, plus strand): 5'-TTGGCGAGGGTGGAAGACGGCACAAGATACATTGTTGTAATGGCCCCGGCAGGTATCAAC[C>A]TCCCATGCCTTTGATTCTGAAGGACAAAAAGAATTAGGTCATCACAATTCCCTACTACTA-3'
Protein context (NP_004362.2, residues 231-251): IWRMNESKAW[Glu241Asp]VDTCRGHYNN